The following is an entry in ClinVar:

ClinVar aggregate classification (germline): Uncertain significance (1 of 4 stars; one submission).

gnomAD v4.1: 1 of 1,612,028 alleles (0.000062%); highest among the groups gnomAD compares: Non-Finnish European, 0.000085%; no homozygotes.

Submission:

GeneDx
Classification: Uncertain significance. Last evaluated: 2025-06-01. Review status: criteria provided, single submitter. Criteria: GeneDx Variant Classification Process June 2021. Collection method: clinical testing. Allele origin: germline. Affected: yes.
Comment: Not observed at significant frequency in large population cohorts (gnomAD); In silico analysis suggests that this missense variant does not alter protein structure/function; Has not been previously published as pathogenic or benign to our knowledge

NM_015057.5(MYCBP2):c.1239G>C (p.Lys413Asn)

Gene: MYCBP2 (MYC binding protein 2; minus strand). Cytogenetic location: 13q22.3.
Variant type: single nucleotide variant.
Coding change: c.1239G>C on transcript NM_015057.5 (MANE Select); coding-DNA position 1239, G replaced by C.
Protein change: p.Lys413Asn; replaces lysine 413 with asparagine.
Molecular consequence: missense variant.
Genome position (GRCh38, 1-based): chr13:77,270,013, C>G on the plus strand (G>C on the coding strand, the complement: MYCBP2 is on the minus strand). VCF-style: chr13-77270013-C-G. GRCh37 (hg19) VCF-style: chr13-77844148-C-G.
Other names: short protein forms K413N.
Identifiers: ClinVar variation 4532718 (VCV004532718.1).
Genomic context (GRCh38, chr13:77,270,013, plus strand): 5'-AGATAAGAAAATTTTGGTTTATTGTGGATAGTTTCTTACCTGAGCATACCCTAACCAAGA[C>G]TTTTTTTCTTTTCTGTTTCTAATACGGGATGTAGAATTGTATATATGGCCCTGCAAAAAA-3'
Protein context (NP_055872.4, residues 403-423): TSRIRNRKEK[Lys413Asn]SWLGYAQGYL